The following is an entry in ClinVar:

ClinVar aggregate classification (germline): Benign. Review status: criteria provided, multiple submitters, no conflicts (2 of 4 stars). 7 submissions from 6 submitters: Benign (6). 1 of the submissions does not count toward it. Last evaluated 2026-02-02.

Conditions:
Severe early-childhood-onset retinal dystrophy (STGD1). Also called: Stargardt macular dystrophy; Juvenile onset macular degeneration; Stargardt disease 1; MACULAR DYSTROPHY WITH FLECKS, TYPE 1; STGD. Identifiers: Orphanet 364055, Orphanet 827, MedGen C1855465, MeSH D000080362, MONDO:0009549, OMIM 248200.
Achromatopsia 3 (ACHM3). Also called: PINGELAPESE BLINDNESS; TOTAL COLORBLINDNESS WITH MYOPIA; ROD MONOCHROMACY 1; ROD MONOCHROMATISM 1; ACHROMATOPSIA WITH MYOPIA. Identifiers: Orphanet 49382, MedGen C1849792, MONDO:0009875, OMIM 262300.
Achromatopsia. Also called: Rod monochromatism. Identifiers: Orphanet 49382, MedGen C0152200, MONDO:0018852, HP:0011516.

Allele frequency attached by ClinVar (database versions not stated): ESP Exome Variant Server 0.05236; TOPMed 0.05324; gnomAD exomes 0.00463 and 0.01236; ExAC 0.01542; 1000 Genomes Project 0.06070; gnomAD 0.04709 and 0.05032; 1000 Genomes Project 30x 0.06558.
gnomAD v4.1: 13,953 of 1,553,838 alleles (0.9%); highest among the groups gnomAD compares: African/African-American, 16%; 1,016 homozygotes.

Submissions (7):

Labcorp Genetics (formerly Invitae), Labcorp
Classification: Benign. Last evaluated: 2026-02-02. Review status: criteria provided, single submitter. Criteria: Invitae Variant Classification Sherloc (09022015). Collection method: clinical testing. Allele origin: germline.

GeneDx
Classification: Benign. Last evaluated: 2019-02-02. Review status: criteria provided, single submitter. Criteria: GeneDx Variant Classification Process June 2021. Collection method: clinical testing. Allele origin: germline. Affected: yes.

Illumina Laboratory Services, Illumina
Classification: Benign for Achromatopsia 3. Last evaluated: 2018-01-12. Review status: criteria provided, single submitter. Criteria: ICSL Variant Classification Criteria 13 December 2019. Collection method: clinical testing. Allele origin: germline.
Comment: This variant was observed in the ICSL laboratory as part of a predisposition screen in an ostensibly healthy population. It had not been previously curated by ICSL or reported in the Human Gene Mutation Database (HGMD: prior to June 1st, 2018), and was therefore a candidate for classification through an automated scoring system. Utilizing variant allele frequency, disease prevalence and penetrance estimates, and inheritance mode, an automated score was calculated to assess if this variant is too frequent to cause the disease. Based on the score and internal cut-off values, a variant classified as benign is not then subjected to further curation. The score for this variant resulted in a classification of benign for this disease.

Illumina Laboratory Services, Illumina
Classification: Benign for Severe early-childhood-onset retinal dystrophy. Last evaluated: 2018-01-12. Review status: criteria provided, single submitter. Criteria: ICSL Variant Classification Criteria 13 December 2019. Collection method: clinical testing. Allele origin: germline.
Comment: the same text as in the submission from Illumina Laboratory Services, Illumina above.

Breakthrough Genomics
Classification: Benign. Review status: criteria provided, single submitter. Criteria: ACMG Guidelines, 2015. Collection method: not provided. Allele origin: germline. Inheritance: Autosomal recessive inheritance. Affected: yes.

PreventionGenetics, part of Exact Sciences
Classification: Benign. Review status: criteria provided, single submitter. Criteria: ACMG Guidelines, 2015. Collection method: clinical testing. Allele origin: germline.

Natera, Inc.
Classification: Benign for Achromatopsia. Last evaluated: 2019-09-14. Review status: no assertion criteria provided. Collection method: clinical testing. Allele origin: germline. Not counted in ClinVar's aggregate classification.

NM_019098.5(CNGB3):c.1781+10A>T

Gene: CNGB3 (cyclic nucleotide gated channel subunit beta 3; minus strand). Cytogenetic location: 8q21.3.
Variant type: single nucleotide variant.
Coding change: c.1781+10A>T on transcript NM_019098.5 (MANE Select); 10 bases into the intron after coding-DNA position 1781, A replaced by T.
Molecular consequence: intron variant.
Genome position (GRCh38, 1-based): chr8:86,604,083, T>A on the plus strand (A>T on the coding strand, the complement: CNGB3 is on the minus strand). VCF-style: chr8-86604083-T-A. GRCh37 (hg19) VCF-style: chr8-87616311-T-A.
Identifiers: ClinVar variation 261084 (VCV000261084.18), dbSNP rs7000747, ClinGen allele CA4799905.